The following is an entry in ClinVar:

ClinVar aggregate classification (germline): Pathogenic (1 of 4 stars; one submission).

Conditions:
Retinoblastoma (RB1). Also called: RETINOBLASTOMA, SOMATIC. Identifiers: Orphanet 790, MedGen C0035335, MeSH D012175, MONDO:0008380, OMIM 180200, HP:0009919. Disease mechanism: loss of function. Inheritance: Both sporadic and heritable forms are tested..

Submission:

Genetic Diagnostic Laboratory, University of Pennsylvania School of Medicine
Classification: Pathogenic for Retinoblastoma. Last evaluated: 2024-05-20. Review status: criteria provided, single submitter. Criteria: ACMG Guidelines, 2015. Collection method: clinical testing. Allele origin: germline. Affected: yes. Observed: 1 variant allele.
Comment: Case and Pedigree Information: BILATERAL CASES:0, UNILATERAL CASES:1, TOTAL CASES:1, PEDIGREES:1. ACMG Codes Applied:PVS1, PM2

NM_000321.3(RB1):c.1535dup (p.Leu512fs)

Gene: RB1 (RB transcriptional corepressor 1; plus strand). Cytogenetic location: 13q14.2.
Variant type: Duplication.
Coding change: c.1535dup on transcript NM_000321.3 (MANE Select); coding-DNA position 1535, one base duplicated (T; older notation c.1535dupT).
Protein change: p.Leu512fs; shifts the reading frame from leucine 512.
Molecular consequence: frameshift variant.
Genome position (GRCh38, 1-based): chr13:48,381,283, T duplicated; the last of 3 consecutive T bases (chr13:48,381,281-48,381,283); duplicating any one gives the same sequence. VCF-style (leftmost placement, unchanged base first): chr13-48381280-A-AT. GRCh37 (hg19) VCF-style: chr13-48955416-A-AT.
Other names: c.1535dup, p.Leu512fs (NM_001407165.1, NM_001407166.1); short protein forms L512fs.
Identifiers: ClinVar variation 3237004 (VCV003237004.1), dbSNP rs748352319.